The following is an entry in ClinVar:

ClinVar aggregate classification (germline): Conflicting classifications of pathogenicity. Review status: criteria provided, conflicting classifications (1 of 4 stars). 3 submissions from 3 submitters: Uncertain significance (2); Likely benign (1). Last evaluated 2025-11-27.

Conditions:
THAP11-related disorder. Also called: THAP11-related condition.

Allele frequency attached by ClinVar (database versions not stated): gnomAD exomes below 0.00001; ExAC 0.00002; gnomAD 0.00002; ESP Exome Variant Server 0.00008; TOPMed 0.00032; 1000 Genomes Project 0.00040.
gnomAD v4.1: 9 of 1,598,762 alleles (0.00056%); highest among the groups gnomAD compares: African/African-American, 0.0041%; no homozygotes.

Submissions (3):

Labcorp Genetics (formerly Invitae), Labcorp
Classification: Uncertain significance. Last evaluated: 2025-11-27. Review status: criteria provided, single submitter. Criteria: Invitae Variant Classification Sherloc (09022015). Collection method: clinical testing. Allele origin: germline.
Comment: This sequence change replaces serine, which is neutral and polar, with proline, which is neutral and non-polar, at codon 133 of the THAP11 protein (p.Ser133Pro). This variant is present in population databases (rs139697290, gnomAD 0.003%). This variant has not been reported in the literature in individuals affected with THAP11-related conditions. ClinVar contains an entry for this variant (Variation ID: 2173064). Invitae Evidence Modeling of protein sequence and biophysical properties (such as structural, functional, and spatial information, amino acid conservation, physicochemical variation, residue mobility, and thermodynamic stability) indicates that this missense variant is not expected to disrupt THAP11 protein function with a negative predictive value of 80%. In summary, the available evidence is currently insufficient to determine the role of this variant in disease. Therefore, it has been classified as a Variant of Uncertain Significance.

Ambry Genetics
Classification: Likely benign. Last evaluated: 2025-09-23. Review status: criteria provided, single submitter. Criteria: Ambry Variant Classification Scheme 2023. Collection method: clinical testing. Allele origin: germline.

PreventionGenetics, part of Exact Sciences
Classification: Uncertain significance for THAP11-related condition. Last evaluated: 2025-07-11. Review status: criteria provided, single submitter. Criteria: ACMG Guidelines, 2015. Collection method: clinical testing. Allele origin: germline.
Comment: The THAP11 c.397T>C variant is predicted to result in the amino acid substitution p.Ser133Pro. To our knowledge, this variant has not been reported in the literature. This variant is reported in 0.0018% of alleles in individuals of European (Non-Finnish) descent in gnomAD. At this time, the clinical significance of this variant is uncertain due to the absence of conclusive functional and genetic evidence.

NM_020457.3(THAP11):c.397T>C (p.Ser133Pro)

Genes: CENPT (centromere protein T; minus strand), THAP11 (THAP domain containing 11; plus strand). Cytogenetic location: 16q22.1.
Variant type: single nucleotide variant.
Coding change: c.397T>C on transcript NM_020457.3 (MANE Select); coding-DNA position 397, T replaced by C.
Protein change: p.Ser133Pro; replaces serine 133 with proline.
Molecular consequence: missense variant. On other transcripts: intron variant (1).
Genome position (GRCh38, 1-based): chr16:67,842,951, T>C. VCF-style: chr16-67842951-T-C. GRCh37 (hg19) VCF-style: chr16-67876854-T-C.
Other names: c.-492+4450A>G (NM_025082.4); c.397T>C (NM_020457.2); short protein forms S133P.
Identifiers: ClinVar variation 2173064 (VCV002173064.6), dbSNP rs139697290, ClinGen allele CA8118266.